The following is an entry in ClinVar:

ClinVar aggregate classification (germline): Uncertain significance (1 of 4 stars; one submission).

Conditions:
Ulnar-mammary syndrome (UMS). Also called: PALLISTER ULNAR-MAMMARY SYNDROME; SCHINZEL SYNDROME; Ulnar-mammary syndrome of Pallister. Identifiers: Orphanet 3138, MedGen C1866994, MONDO:0008411, OMIM 181450.

Allele frequency attached by ClinVar (database versions not stated): gnomAD exomes below 0.00001.
gnomAD v4.1: 5 of 1,613,556 alleles (0.00031%); highest among the groups gnomAD compares: East Asian, 0.0022%; no homozygotes.

Submission:

Labcorp Genetics (formerly Invitae), Labcorp
Classification: Uncertain significance for Ulnar-mammary syndrome. Last evaluated: 2025-11-17. Review status: criteria provided, single submitter. Criteria: Invitae Variant Classification Sherloc (09022015). Collection method: clinical testing. Allele origin: germline.
Comment: This sequence change falls in intron 5 of the TBX3 gene. It does not directly change the encoded amino acid sequence of the TBX3 protein. It affects a nucleotide within the consensus splice site. This variant is not present in population databases (gnomAD no frequency). This variant has not been reported in the literature in individuals affected with TBX3-related conditions. ClinVar contains an entry for this variant (Variation ID: 2165303). Variants that disrupt the consensus splice site are a relatively common cause of aberrant splicing (PMID: 17576681, 9536098). Algorithms developed to predict the effect of sequence changes on RNA splicing suggest that this variant is not likely to affect RNA splicing. In summary, the available evidence is currently insufficient to determine the role of this variant in disease. Therefore, it has been classified as a Variant of Uncertain Significance.

Literature cited by the submitters: PubMed 17576681; PubMed 9536098.

NM_005996.4(TBX3):c.1039+6C>A

Gene: TBX3 (T-box transcription factor 3; minus strand). Cytogenetic location: 12q24.21.
Variant type: single nucleotide variant.
Coding change: c.1039+6C>A on transcript NM_005996.4 (MANE Select); 6 bases into the intron after coding-DNA position 1039, C replaced by A.
Molecular consequence: intron variant.
Genome position (GRCh38, 1-based): chr12:114,676,307, G>T on the plus strand (C>A on the coding strand, the complement: TBX3 is on the minus strand). VCF-style: chr12-114676307-G-T. GRCh37 (hg19) VCF-style: chr12-115114112-G-T.
Other names: c.1099+6C>A (NM_016569.4).
Identifiers: ClinVar variation 2165303 (VCV002165303.4), dbSNP rs372129298, ClinGen allele CA244148908.
Genomic context (GRCh38, chr12:114,676,307, plus strand): 5'-CCCCCTTCAACTCTTCCAGGCCACGAGGGACTGGAGTCCAGTGATCACAAAGGTGACATG[G>T]TTTACCTTTGAGGTTCGATGTCCCTACAGTGGAGGCGGCTGGAGAAGAAGCCTGGGCGAA-3'